The following is an entry in ClinVar:

NM_012470.4(TNPO3):c.1042C>T (p.Arg348Ter)

Gene: TNPO3 (transportin 3; minus strand). Cytogenetic location: 7q32.1.
Variant type: single nucleotide variant.
Coding change: c.1042C>T on transcript NM_012470.4 (MANE Select); coding-DNA position 1042, C replaced by T.
Protein change: p.Arg348Ter; replaces arginine 348 with a stop codon.
Molecular consequence: nonsense. On other transcripts: non-coding transcript variant (17), intron variant (1).
Genome position (GRCh38, 1-based): chr7:128,997,505, G>A on the plus strand (C>T on the coding strand, the complement: TNPO3 is on the minus strand). VCF-style: chr7-128997505-G-A. GRCh37 (hg19) VCF-style: chr7-128637559-G-A.
Other names: c.1042C>T, p.Arg348Ter (NM_001191028.3, NM_001382216.1, NM_001382218.1 and 3 more transcripts); c.1123C>T, p.Arg375Ter (NM_001382217.1); c.898C>T, p.Arg300Ter (NM_001382221.1); c.1011+2924C>T (NM_001382222.1); short protein forms R300*, R348*, R375*.
Identifiers: ClinVar variation 1310468 (VCV001310468.6), dbSNP rs1801458570, ClinGen allele CA369235682.

ClinVar aggregate classification (germline): Uncertain significance. Review status: criteria provided, multiple submitters, no conflicts (2 of 4 stars). 2 submissions from 2 submitters: Uncertain significance (2). Last evaluated 2025-08-01.

Conditions:
Autosomal dominant limb-girdle muscular dystrophy type 1F (LGMDD2). Also called: MUSCULAR DYSTROPHY, LIMB-GIRDLE, AUTOSOMAL DOMINANT 2; Limb-girdle muscular dystrophy, type 1F. Identifiers: Orphanet 55595, MedGen C1842062, MONDO:0012034, OMIM 608423.

Allele frequency attached by ClinVar (database versions not stated): gnomAD exomes below 0.00001; TOPMed below 0.00001; gnomAD 0.00001.
gnomAD v4.1: 4 of 1,613,528 alleles (0.00025%); highest among the groups gnomAD compares: Non-Finnish European, 0.00034%; no homozygotes.

Submissions (2):

Labcorp Genetics (formerly Invitae), Labcorp
Classification: Uncertain significance for Autosomal dominant limb-girdle muscular dystrophy type 1F. Last evaluated: 2025-08-01. Review status: criteria provided, single submitter. Criteria: Invitae Variant Classification Sherloc (09022015). Collection method: clinical testing. Allele origin: germline.
Comment: This sequence change creates a premature translational stop signal (p.Arg348*) in the TNPO3 gene. It is expected to result in an absent or disrupted protein product. However, the current clinical and genetic evidence is not sufficient to establish whether loss-of-function variants in TNPO3 cause disease. This variant is not present in population databases (gnomAD no frequency). This premature translational stop signal has been observed in individual(s) with developmental delay (PMID: 33057194). ClinVar contains an entry for this variant (Variation ID: 1310468). In summary, the available evidence is currently insufficient to determine the role of this variant in disease. Therefore, it has been classified as a Variant of Uncertain Significance.

GeneDx
Classification: Uncertain significance. Last evaluated: 2019-12-18. Review status: criteria provided, single submitter. Criteria: GeneDx Variant Classification Process June 2021. Collection method: clinical testing. Allele origin: germline. Affected: yes.
Comment: Nonsense variant predicted to result in protein truncation or nonsense mediated decay in a gene for which loss-of-function is not a known mechanism of disease; Has not been previously published as pathogenic or benign to our knowledge; Not observed in large population cohorts (Lek et al., 2016)

Literature cited by the submitters: PubMed 33057194 (cited by Labcorp Genetics (formerly Invitae), Labcorp).